The following is an entry in ClinVar:

NM_018062.4(FANCL):c.274G>A (p.Glu92Lys)

Gene: FANCL (FA complementation group L; minus strand). Cytogenetic location: 2p16.1.
Variant type: single nucleotide variant.
Coding change: c.274G>A on transcript NM_018062.4 (MANE Select); coding-DNA position 274, G replaced by A.
Protein change: p.Glu92Lys; replaces glutamic acid 92 with lysine.
Molecular consequence: missense variant.
Genome position (GRCh38, 1-based): chr2:58,222,042, C>T on the plus strand (G>A on the coding strand, the complement: FANCL is on the minus strand). VCF-style: chr2-58222042-C-T. GRCh37 (hg19) VCF-style: chr2-58449177-C-T.
Other names: c.274G>A, p.Glu92Lys (NM_001114636.2, NM_001374615.1, NM_001410792.1); short protein forms E92K.
Identifiers: ClinVar variation 1368517 (VCV001368517.5), dbSNP rs2103754665, ClinGen allele CA347034587.

ClinVar aggregate classification (germline): Uncertain significance (1 of 4 stars; one submission).

Conditions:
Fanconi anemia (FA). Also called: Fanconi's anemia. Identifiers: Orphanet 84, MedGen C0015625, MeSH D005199, MONDO:0019391.

Allele frequency attached by ClinVar (database versions not stated): gnomAD exomes below 0.00001.
gnomAD v4.1: 1 of 1,610,256 alleles (0.000062%); highest among the groups gnomAD compares: Non-Finnish European, 0.000085%; no homozygotes.

Submission:

Labcorp Genetics (formerly Invitae), Labcorp
Classification: Uncertain significance for Fanconi anemia. Last evaluated: 2022-05-27. Review status: criteria provided, single submitter. Criteria: Invitae Variant Classification Sherloc (09022015). Collection method: clinical testing. Allele origin: germline.
Comment: This sequence change replaces glutamic acid, which is acidic and polar, with lysine, which is basic and polar, at codon 92 of the FANCL protein (p.Glu92Lys). This variant is not present in population databases (gnomAD no frequency). This variant has not been reported in the literature in individuals affected with FANCL-related conditions. Algorithms developed to predict the effect of missense changes on protein structure and function are either unavailable or do not agree on the potential impact of this missense change (SIFT: "Deleterious"; PolyPhen-2: "Probably Damaging"; Align-GVGD: "Class C0"). Algorithms developed to predict the effect of sequence changes on RNA splicing suggest that this variant may disrupt the consensus splice site. In summary, the available evidence is currently insufficient to determine the role of this variant in disease. Therefore, it has been classified as a Variant of Uncertain Significance.